The following is an entry in ClinVar:

ClinVar aggregate classification (germline): Uncertain significance (1 of 4 stars; one submission).

Conditions:
Retinitis pigmentosa 73 (RP73). Identifiers: Orphanet 791, MedGen C4225287, MONDO:0014687, OMIM 616544.
Mucopolysaccharidosis, MPS-III-C (MPS3C). Also called: MPS IIIC (Sanfilippo Syndrome Type C); MUCOPOLYSACCHARIDOSIS, TYPE IIIC; Mucopolysaccharidosis type IIIC (Sanfilippo C); SANFILIPPO SYNDROME C; MPS III C; mucopolysaccharidosis type 3C. Identifiers: Orphanet 581, Orphanet 79271, MedGen C0086649, MONDO:0009657, OMIM 252930.

Allele frequency attached by ClinVar (database versions not stated): TOPMed below 0.00001.

Submission:

Labcorp Genetics (formerly Invitae), Labcorp
Classification: Uncertain significance for Retinitis pigmentosa 73; Mucopolysaccharidosis, MPS-III-C. Last evaluated: 2021-09-24. Review status: criteria provided, single submitter. Criteria: Invitae Variant Classification Sherloc (09022015). Collection method: clinical testing. Allele origin: germline.
Comment: In summary, the available evidence is currently insufficient to determine the role of this variant in disease. Therefore, it has been classified as a Variant of Uncertain Significance. Advanced modeling of protein sequence and biophysical properties (such as structural, functional, and spatial information, amino acid conservation, physicochemical variation, residue mobility, and thermodynamic stability) performed at Invitae indicates that this missense variant is not expected to disrupt HGSNAT protein function. This variant has not been reported in the literature in individuals affected with HGSNAT-related conditions. This variant is not present in population databases (ExAC no frequency). This sequence change replaces alanine with threonine at codon 229 of the HGSNAT protein (p.Ala229Thr). The alanine residue is weakly conserved and there is a small physicochemical difference between alanine and threonine.

NM_152419.3(HGSNAT):c.685G>A (p.Ala229Thr)

Gene: HGSNAT (heparan-alpha-glucosaminide N-acetyltransferase; plus strand). Cytogenetic location: 8p11.21.
Variant type: single nucleotide variant.
Coding change: c.685G>A on transcript NM_152419.3 (MANE Select); coding-DNA position 685, G replaced by A.
Protein change: p.Ala229Thr; replaces alanine 229 with threonine.
Molecular consequence: missense variant. On other transcripts: 5 prime UTR variant (1).
Genome position (GRCh38, 1-based): chr8:43,170,636, G>A. VCF-style: chr8-43170636-G-A. GRCh37 (hg19) VCF-style: chr8-43025779-G-A.
Other names: c.685G>A, p.Ala229Thr (NM_001363227.2, NM_001363228.2); c.-149G>A (NM_001363229.2); short protein forms A229T.
Identifiers: ClinVar variation 1382841 (VCV001382841.6), dbSNP rs1803593895, ClinGen allele CA371116163.